The following is an entry in ClinVar:

ClinVar aggregate classification (germline): Conflicting classifications of pathogenicity. Review status: criteria provided, conflicting classifications (1 of 4 stars). 2 submissions from 2 submitters: Uncertain significance (1); Likely benign (1). Last evaluated 2026-09-01.

Conditions:
Complex neurodevelopmental disorder. Identifiers: Orphanet 528084, MedGen C5568766, MONDO:0100038.

Submissions (2):

CeGaT Center for Human Genetics Tuebingen
Classification: Likely benign. Last evaluated: 2026-09-01. Review status: criteria provided, single submitter. Criteria: CeGaT Center For Human Genetics Tuebingen Variant Classification Criteria Version 2. Collection method: clinical testing. Allele origin: germline. Affected: yes. Observed: 1 variant allele.
Comment: ZMIZ1: PM4:Supporting, BS2

Broad Center for Mendelian Genomics, Broad Institute of MIT and Harvard
Classification: Uncertain significance for Complex neurodevelopmental disorder. Last evaluated: 2026-08-26. Review status: criteria provided, single submitter. Criteria: ACMG Guidelines, 2015. Collection method: research. Allele origin: germline. Inheritance: Autosomal dominant inheritance. Study: GREGoR Consortium.
Comment: The p.Asn644del variant in ZMIZ1 has not been previously reported in the literature in individuals with complex neurodevelopmental disorder, and has been identified in 0.02% (1/6078) of Middle Eastern chromosomes by the Genome Aggregation Database (gnomAD; dbSNP rs770627005). Although this variant has been seen in the general population in a heterozygous state, its frequency is not high enough to rule out a pathogenic role. This variant is a deletion of 1 amino acid at position 644 and is not predicted to alter the protein reading-frame. This deletion is expected to impact the protein. In summary, the clinical significance of the p.Asn644del variant is uncertain. ACMG/AMP Criteria applied: PM4_supporting (Richards 2015).

NM_020338.4(ZMIZ1):c.1929CAA[1] (p.Asn644del)

Gene: ZMIZ1 (zinc finger MIZ-type containing 1; plus strand). Cytogenetic location: 10q22.3.
Variant type: Microsatellite.
Coding change: c.1929CAA[1] on transcript NM_020338.4 (MANE Select); one copy of the 3-base unit CAA starting at c.1929; the reference has two copies in a row; one copy, 3 bases deleted.
Protein change: p.Asn644del; deletes asparagine 644.
Genome position (GRCh38, 1-based): chr10:79,300,855-79,300,857, CAA deleted; deleting any 3 consecutive bases within chr10:79,300,851-79,300,857 gives the same sequence; the position shown is the placement nearest the transcript's 3' end. VCF-style (leftmost placement, unchanged base first): chr10-79300850-GACA-G. GRCh37 (hg19) VCF-style: chr10-81060607-GACA-G.
Other names: NM_020338.4:c.1932_1934del; short protein forms N644del.
Identifiers: ClinVar variation 4974513 (VCV004974513.2).
Genomic context (GRCh38, chr10:79,300,850, plus strand): 5'-AACTGGCCCGCCTCGGTGCAGGTCAGCGTGAACGCCACGCCCCTCACCATTGAGCGCGGC[GACA>G]ACAAGACCTCCCACAAGCCCCTGCACCTGAAGCACGTGTGCCAGCCGGGCCGCAACACCA-3'